The following is an entry in ClinVar:

ClinVar aggregate classification (germline): Uncertain significance (1 of 4 stars; one submission).

Conditions:
Immunodeficiency, common variable, 10. Also called: DEFICIT IN ANTERIOR PITUITARY FUNCTION AND VARIABLE IMMUNODEFICIENCY; IMMUNODEFICIENCY, COMMON VARIABLE, WITH CENTRAL ADRENAL INSUFFICIENCY. Identifiers: MedGen C3809991, MONDO:0014260, OMIM 615577.

Submission:

Labcorp Genetics (formerly Invitae), Labcorp
Classification: Uncertain significance for Immunodeficiency, common variable, 10. Last evaluated: 2023-05-22. Review status: criteria provided, single submitter. Criteria: Invitae Variant Classification Sherloc (09022015). Collection method: clinical testing. Allele origin: germline.
Comment: This sequence change replaces arginine, which is basic and polar, with glutamine, which is neutral and polar, at codon 444 of the NFKB2 protein (p.Arg444Gln). This variant is not present in population databases (gnomAD no frequency). This variant has not been reported in the literature in individuals affected with NFKB2-related conditions. ClinVar contains an entry for this variant (Variation ID: 954959). Algorithms developed to predict the effect of missense changes on protein structure and function output the following: SIFT: "Not Available"; PolyPhen-2: "Benign"; Align-GVGD: "Not Available". The glutamine amino acid residue is found in multiple mammalian species, which suggests that this missense change does not adversely affect protein function. In summary, the available evidence is currently insufficient to determine the role of this variant in disease. Therefore, it has been classified as a Variant of Uncertain Significance.

NM_001322934.2(NFKB2):c.1331G>A (p.Arg444Gln)

Genes: NFKB2 (nuclear factor kappa B subunit 2; plus strand), LOC130004599 (ATAC-STARR-seq lymphoblastoid silent region 2756; plus strand). Cytogenetic location: 10q24.32.
Variant type: single nucleotide variant.
Coding change: c.1331G>A on transcript NM_001322934.2 (MANE Select); coding-DNA position 1331, G replaced by A.
Protein change: p.Arg444Gln; replaces arginine 444 with glutamine.
Molecular consequence: missense variant.
Genome position (GRCh38, 1-based): chr10:102,399,580, G>A. VCF-style: chr10-102399580-G-A. GRCh37 (hg19) VCF-style: chr10-104159337-G-A.
Other names: c.1331G>A, p.Arg444Gln (NM_001077494.3, NM_001261403.3, NM_001288724.1 and 1 more transcripts); c.1205G>A, p.Arg402Gln (NM_001322935.1); short protein forms R402Q, R444Q.
Identifiers: ClinVar variation 954959 (VCV000954959.10), dbSNP rs1312906894, ClinGen allele CA377899397.